The following is an entry in ClinVar:

ClinVar aggregate classification (germline): Uncertain significance (1 of 4 stars; one submission).

Conditions:
Hereditary cancer-predisposing syndrome. Also called: Tumor predisposition; Hereditary Cancer Syndrome; Hereditary neoplastic syndrome; Neoplastic Syndromes, Hereditary. Identifiers: Orphanet 140162, MedGen C0027672, MeSH D009386, MONDO:0015356.

gnomAD v4.1: 1 of 1,613,960 alleles (0.000062%); highest among the groups gnomAD compares: Non-Finnish European, 0.000085%; no homozygotes.

Submission:

Ambry Genetics
Classification: Uncertain significance for Hereditary cancer-predisposing syndrome. Last evaluated: 2025-09-25. Review status: criteria provided, single submitter. Criteria: Ambry Variant Classification Scheme 2023. Collection method: clinical testing. Allele origin: germline.
Comment: The p.I338M variant (also known as c.1014T>G), located in coding exon 9 of the SMARCE1 gene, results from a T to G substitution at nucleotide position 1014. The isoleucine at codon 338 is replaced by methionine, an amino acid with highly similar properties. This amino acid position is conserved. In addition, this alteration is predicted to be tolerated by in silico analysis. Based on the available evidence, the clinical significance of this variant remains unclear.

NM_003079.5(SMARCE1):c.1014T>G (p.Ile338Met)

Gene: SMARCE1 (SWI/SNF related BAF chromatin remodeling complex subunit E1; minus strand). Cytogenetic location: 17q21.2.
Variant type: single nucleotide variant.
Coding change: c.1014T>G on transcript NM_003079.5 (MANE Select); coding-DNA position 1014, T replaced by G.
Protein change: p.Ile338Met; replaces isoleucine 338 with methionine.
Molecular consequence: missense variant.
Genome position (GRCh38, 1-based): chr17:40,630,727, A>C on the plus strand (T>G on the coding strand, the complement: SMARCE1 is on the minus strand). VCF-style: chr17-40630727-A-C. GRCh37 (hg19) VCF-style: chr17-38786979-A-C.
Other names: short protein forms I338M.
Identifiers: ClinVar variation 4550411 (VCV004550411.1).